The following is an entry in ClinVar:

NM_014844.5(TECPR2):c.4036G>A (p.Gly1346Arg)

Gene: TECPR2 (tectonin beta-propeller repeat containing 2; plus strand). Cytogenetic location: 14q32.31.
Variant type: single nucleotide variant.
Coding change: c.4036G>A on transcript NM_014844.5 (MANE Select); coding-DNA position 4036, G replaced by A.
Protein change: p.Gly1346Arg; replaces glycine 1346 with arginine.
Molecular consequence: missense variant.
Genome position (GRCh38, 1-based): chr14:102,497,674, G>A. VCF-style: chr14-102497674-G-A. GRCh37 (hg19) VCF-style: chr14-102964011-G-A.
Other names: short protein forms G1346R.
Identifiers: ClinVar variation 1313261 (VCV001313261.2), dbSNP rs1891324648, ClinGen allele CA391058822.
Genomic context (GRCh38, chr14:102,497,674, plus strand): 5'-GCCCGCTGTCCAAACGGAGACCTCGCCCGGCGGTACGGCGTCACAGACAAGAACCCCGCC[G>A]GGGACTACTGGAAGAAAATTCCCGGCAGCGTGTCGTGTTTCACAGGCAGGTGCCCGGGGC-3'
Protein context (NP_055659.2, residues 1336-1356): RYGVTDKNPA[Gly1346Arg]DYWKKIPGSV

ClinVar aggregate classification (germline): Uncertain significance (1 of 4 stars; one submission).

Allele frequency attached by ClinVar (database versions not stated): gnomAD 0.00001; gnomAD exomes 0.00001.
gnomAD v4.1: 10 of 1,608,668 alleles (0.00062%); highest among the groups gnomAD compares: Middle Eastern, 0.033%; no homozygotes.

Submission:

GeneDx
Classification: Uncertain significance. Last evaluated: 2021-06-21. Review status: criteria provided, single submitter. Criteria: GeneDx Variant Classification Process June 2021. Collection method: clinical testing. Allele origin: germline. Affected: yes.
Comment: Not observed in large population cohorts (Lek et al., 2016); In silico analysis supports that this missense variant has a deleterious effect on protein structure/function; Has not been previously published as pathogenic or benign to our knowledge; This variant is associated with the following publications: (PMID: 27535533)